The following is an entry in ClinVar:

ClinVar aggregate classification (germline): Pathogenic (0 of 4 stars; one submission).

Conditions:
Fanconi anemia complementation group A (FANCA). Also called: Fanconi anemia, group A; FANCA-Related Fanconi Anemia. Identifiers: Orphanet 84, MedGen C3469521, MONDO:0009215, OMIM 227650.

Submission:

Leiden Open Variation Database
Classification: Pathogenic for Fanconi anemia complementation group A. Last evaluated: 2020-02-28. Review status: no assertion criteria provided. Collection method: curation. Allele origin: germline. Affected: yes.
Comment: Curator: Arleen D. Auerbach. Submitters to LOVD: Arleen D. Auerbach, Johan de Winter.

Literature cited by the submitters: PubMed 10521298; PubMed 12444097; PubMed 17924555.

NC_000016.10:g.(89749903_89752137)_(89816657_?)del

Gene: FANCA (FA complementation group A; minus strand). Cytogenetic location: 16q24.3.
Variant type: Deletion.
Identifiers: ClinVar variation 974180 (VCV000974180.1).